The following is an entry in ClinVar:

ClinVar aggregate classification (germline): Pathogenic. Review status: criteria provided, multiple submitters, no conflicts (2 of 4 stars). 2 submissions from 2 submitters: Pathogenic (2). Last evaluated 2022-08-31.

Conditions:
Familial thoracic aortic aneurysm and aortic dissection (TAAD). Also called: Thoracic aortic aneurysms and dissections. Identifiers: Orphanet 91387, MedGen C4707243, MONDO:0019625.
Marfan syndrome (MFS). Also called: Marfan syndrome type 1; Marfan syndrome, classic; Marfan's syndrome; FBN1-Related Marfan Syndrome; MARFAN SYNDROME, TYPE I. Identifiers: Orphanet 284963, Orphanet 558, MedGen C0024796, MONDO:0007947, OMIM 154700.

Submissions (2):

Labcorp Genetics (formerly Invitae), Labcorp
Classification: Pathogenic for Marfan syndrome; Familial thoracic aortic aneurysm and aortic dissection. Last evaluated: 2022-08-31. Review status: criteria provided, single submitter. Criteria: Invitae Variant Classification Sherloc (09022015). Collection method: clinical testing. Allele origin: germline.
Comment: This sequence change creates a premature translational stop signal (p.Lys2848Ilefs*2) in the FBN1 gene. While this is not anticipated to result in nonsense mediated decay, it is expected to disrupt the last 24 amino acid(s) of the FBN1 protein. For these reasons, this variant has been classified as Pathogenic. This variant disrupts a region of the FBN1 protein in which other variant(s) (p.Gln2867*) have been determined to be pathogenic (PMID: 19293843). This suggests that this is a clinically significant region of the protein, and that variants that disrupt it are likely to be disease-causing. ClinVar contains an entry for this variant (Variation ID: 503785). This variant has not been reported in the literature in individuals affected with FBN1-related conditions. This variant is not present in population databases (gnomAD no frequency).

GeneDx
Classification: Pathogenic. Last evaluated: 2017-11-02. Review status: criteria provided, single submitter. Criteria: GeneDx Variant Classification (06012015). Collection method: clinical testing. Allele origin: germline. Affected: yes.
Comment: Although the c.8543_8544delAA pathogenic variant in the FBN1 gene has not been reported to our knowledge, this variant causes a shift in reading frame starting at codon lysine 2848, changing it to an isoleucine, and creating a premature stop codon at position two of the new reading frame, denoted p.K2848IfsX2. This pathogenic variant is expected to result in an abnormal, truncated protein product. Many other frameshift variants in the FBN1 gene have been reported in Human Gene Mutation Database in association with Marfan syndrome (Stenson et al., 2014), indicating that loss of function is a mechanism of disease for this gene. Furthermore, c.8543_8544delAA has not been observed in large population cohorts (Lek et al., 2016). In summary, c.8543_8544delAA in the FBN1 gene is interpreted as a pathogenic variant.

Literature cited by the submitters: PubMed 19293843 (cited by Labcorp Genetics (formerly Invitae), Labcorp).

NM_000138.5(FBN1):c.8543_8544del (p.Lys2848fs)

Gene: FBN1 (fibrillin 1; minus strand). Cytogenetic location: 15q21.1.
Variant type: Deletion.
Coding change: c.8543_8544del on transcript NM_000138.5 (MANE Select); coding-DNA positions 8543 to 8544, 2 bases deleted (AA; older notation c.8543_8544delAA).
Protein change: p.Lys2848fs; shifts the reading frame from lysine 2848.
Molecular consequence: frameshift variant.
Genome position (GRCh38, 1-based): chr15:48,411,062-48,411,063, TT deleted on the plus strand (AA on the coding strand, the reverse complement: FBN1 is on the minus strand); deleting any 2 consecutive bases within chr15:48,411,062-48,411,064 gives the same sequence; the c. name uses the placement nearest the transcript's 3' end. VCF-style (leftmost placement, unchanged base first): chr15-48411061-ATT-A. GRCh37 (hg19) VCF-style: chr15-48703258-ATT-A.
Other names: c.8543_8544delAA (NM_000138.4); short protein forms K2848fs.
Identifiers: ClinVar variation 503785 (VCV000503785.9), dbSNP rs794728323, ClinGen allele CA658798330.